The following is an entry in ClinVar:

NM_000257.4(MYH7):c.3890T>A (p.Leu1297Gln)

Gene: MYH7 (myosin heavy chain 7; minus strand). Cytogenetic location: 14q11.2.
Variant type: single nucleotide variant.
Coding change: c.3890T>A on transcript NM_000257.4 (MANE Select); coding-DNA position 3890, T replaced by A.
Protein change: p.Leu1297Gln; replaces leucine 1297 with glutamine.
Molecular consequence: missense variant.
Genome position (GRCh38, 1-based): chr14:23,419,259, A>T on the plus strand (T>A on the coding strand, the complement: MYH7 is on the minus strand). VCF-style: chr14-23419259-A-T. GRCh37 (hg19) VCF-style: chr14-23888468-A-T.
Other names: short protein forms L1297Q.
Identifiers: ClinVar variation 1171090 (VCV001171090.2), dbSNP rs1566527011, ClinGen allele CA389041689.

ClinVar aggregate classification (germline): Uncertain significance (1 of 4 stars; one submission).

Conditions:
Cardiomyopathy (CMYO). Also called: Cardiomyopathies. Identifiers: Orphanet 167848, MedGen C0878544, MONDO:0004994, HP:0001638. Inheritance: Various modes of inheritance.

Submission:

Color Diagnostics, LLC DBA Color Health
Classification: Uncertain significance for Cardiomyopathy. Last evaluated: 2020-08-06. Review status: criteria provided, single submitter. Criteria: ACMG Guidelines, 2015. Collection method: clinical testing. Allele origin: germline.
Comment: This missense variant replaces leucine with glutamine at codon 1297 of the MYH7 protein. Computational prediction suggests that this variant may have deleterious impact on protein structure and function (internally defined REVEL score threshold >= 0.7, PMID: 27666373). To our knowledge, functional studies have not been reported for this variant. This variant has not been reported in individuals affected with cardiovascular disorders in the literature. This variant has not been identified in the general population by the Genome Aggregation Database (gnomAD). The available evidence is insufficient to determine the role of this variant in disease conclusively. Therefore, this variant is classified as a Variant of Uncertain Significance.